The following is an entry in ClinVar:

NM_001368882.1(COL13A1):c.575C>T (p.Pro192Leu)

Gene: COL13A1 (collagen type XIII alpha 1 chain; plus strand). Cytogenetic location: 10q22.1.
Variant type: single nucleotide variant.
Coding change: c.575C>T on transcript NM_001368882.1 (MANE Select); coding-DNA position 575, C replaced by T.
Protein change: p.Pro192Leu; replaces proline 192 with leucine.
Molecular consequence: missense variant. On other transcripts: 5 prime UTR variant (1).
Genome position (GRCh38, 1-based): chr10:69,888,329, C>T. VCF-style: chr10-69888329-C-T. GRCh37 (hg19) VCF-style: chr10-71648085-C-T.
Other names: c.548C>T, p.Pro183Leu (NM_001130103.2, NM_080800.4, NM_080801.4 and 1 more transcripts); c.575C>T, p.Pro192Leu (NM_001320951.2, NM_001368884.1); c.539C>T, p.Pro180Leu (NM_001368883.1, NM_001368885.1); c.-26C>T (NM_001368886.1); c.485C>T, p.Pro162Leu (NM_001368895.1); c.434C>T, p.Pro145Leu (NM_001368896.1, NM_001368898.1, NM_080798.4); c.461C>T, p.Pro154Leu (NM_001368897.1, NM_080805.4); short protein forms P162L, P183L, P192L, P145L, P154L, P180L.
Identifiers: ClinVar variation 1964720 (VCV001964720.5), dbSNP rs775323799, ClinGen allele CA5534262.

ClinVar aggregate classification (germline): Uncertain significance (1 of 4 stars; one submission).

Allele frequency attached by ClinVar (database versions not stated): TOPMed below 0.00001; ExAC 0.00003.
gnomAD v4.1: 36 of 1,612,586 alleles (0.0022%); highest among the groups gnomAD compares: Non-Finnish European, 0.003%; no homozygotes.

Submission:

Labcorp Genetics (formerly Invitae), Labcorp
Classification: Uncertain significance. Last evaluated: 2022-05-12. Review status: criteria provided, single submitter. Criteria: Invitae Variant Classification Sherloc (09022015). Collection method: clinical testing. Allele origin: germline.
Comment: In summary, the available evidence is currently insufficient to determine the role of this variant in disease. Therefore, it has been classified as a Variant of Uncertain Significance. Algorithms developed to predict the effect of missense changes on protein structure and function output the following: SIFT: "Deleterious"; PolyPhen-2: "Benign"; Align-GVGD: "Class C65". The leucine amino acid residue is found in multiple mammalian species, which suggests that this missense change does not adversely affect protein function. This variant has not been reported in the literature in individuals affected with COL13A1-related conditions. The frequency data for this variant in the population databases is considered unreliable, as metrics indicate poor data quality at this position in the gnomAD database. This sequence change replaces proline, which is neutral and non-polar, with leucine, which is neutral and non-polar, at codon 183 of the COL13A1 protein (p.Pro183Leu).